The following is an entry in ClinVar:

NM_002439.5(MSH3):c.287C>T (p.Pro96Leu)

Gene: MSH3 (mutS homolog 3; plus strand). Cytogenetic location: 5q14.1.
Variant type: single nucleotide variant.
Coding change: c.287C>T on transcript NM_002439.5 (MANE Select); coding-DNA position 287, C replaced by T.
Protein change: p.Pro96Leu; replaces proline 96 with leucine.
Molecular consequence: missense variant.
Genome position (GRCh38, 1-based): chr5:80,656,460, C>T. VCF-style: chr5-80656460-C-T. GRCh37 (hg19) VCF-style: chr5-79952279-C-T.
Other names: short protein forms P96L.
Identifiers: ClinVar variation 650967 (VCV000650967.21), dbSNP rs373436584, ClinGen allele CA3327558.

ClinVar aggregate classification (germline): Uncertain significance. Review status: criteria provided, multiple submitters, no conflicts (2 of 4 stars). 10 submissions from 9 submitters: Uncertain significance (10). Last evaluated 2026-01-28.

Conditions:
Hereditary cancer-predisposing syndrome. Also called: Neoplastic Syndromes, Hereditary; Tumor predisposition; Hereditary neoplastic syndrome; Hereditary Cancer Syndrome. Identifiers: Orphanet 140162, MedGen C0027672, MeSH D009386, MONDO:0015356.
Endometrial carcinoma. Also called: Endometrial carcinoma, somatic. Identifiers: MedGen C0476089, MONDO:0002447, OMIM 608089, HP:0012114.
Familial adenomatous polyposis 4 (FAP4). Also called: MSH3-related attenuated familial adenomatous polyposis. Identifiers: Orphanet 480536, MedGen C4310719, MONDO:0044300, OMIM 617100.
MSH3-related disorder. Also called: MSH3-related condition.

Allele frequency attached by ClinVar (database versions not stated): ExAC 0.00007; ESP Exome Variant Server 0.00008; gnomAD 0.00027 and 0.00028; TOPMed 0.00029.
gnomAD v4.1: 70 of 1,613,938 alleles (0.0043%); highest among the groups gnomAD compares: African/African-American, 0.093%; 1 homozygote.

Submissions (10):

Labcorp Genetics (formerly Invitae), Labcorp
Classification: Uncertain significance. Last evaluated: 2026-01-28. Review status: criteria provided, single submitter. Criteria: Invitae Variant Classification Sherloc (09022015). Collection method: clinical testing. Allele origin: germline.
Comment: This sequence change replaces proline, which is neutral and non-polar, with leucine, which is neutral and non-polar, at codon 96 of the MSH3 protein (p.Pro96Leu). This variant is present in population databases (rs373436584, gnomAD 0.1%). This variant has not been reported in the literature in individuals affected with MSH3-related conditions. ClinVar contains an entry for this variant (Variation ID: 650967). An algorithm developed to predict the effect of missense changes on protein structure and function (PolyPhen-2) suggests that this variant is likely to be disruptive. In summary, the available evidence is currently insufficient to determine the role of this variant in disease. Therefore, it has been classified as a Variant of Uncertain Significance.

PreventionGenetics, part of Exact Sciences
Classification: Uncertain significance for MSH3-related condition. Last evaluated: 2026-01-07. Review status: criteria provided, single submitter. Criteria: ACMG Guidelines, 2015. Collection method: clinical testing. Allele origin: germline.
Comment: The MSH3 c.287C>T variant is predicted to result in the amino acid substitution p.Pro96Leu. This variant has been reported in an individual affected with melanoma, but this individual also had a MC1R R/R genotype which increases melanoma risk up to 25-fold, making the impact of the MSH3 variant unclear (Sortino et al. 2023. PubMed ID: 37895483). This variant is reported in 0.096% of alleles in individuals of African descent in gnomAD and is interpreted as uncertain significance in ClinVar (Variation ID: 650967). At this time, the clinical significance of this variant is uncertain due to the absence of conclusive functional and genetic evidence.

GeneDx
Classification: Uncertain significance. Last evaluated: 2024-11-15. Review status: criteria provided, single submitter. Criteria: GeneDx Variant Classification Process June 2021. Collection method: clinical testing. Allele origin: germline. Affected: yes.
Comment: In silico analysis supports that this missense variant has a deleterious effect on protein structure/function; Observed in a single family with an extensive history of melanoma (PMID: 37895483); This variant is associated with the following publications: (PMID: 37895483)

Quest Diagnostics Nichols Institute San Juan Capistrano
Classification: Uncertain significance. Last evaluated: 2024-10-08. Review status: criteria provided, single submitter. Criteria: Quest Diagnostics criteria. Collection method: clinical testing. Allele origin: unknown.
Comment: The MSH3 c.287C>T (p.Pro96Leu) variant has been reported in the published literature in an individual with melanoma (PMID: 37895483 (2023)). The frequency of this variant in the general population, 0.00096 (24/24962 chromosomes in African/African American subpopulation (Genome Aggregation Database)), is higher than would generally be expected for pathogenic variants in this gene. Analysis of this variant using bioinformatics tools for the prediction of the effect of amino acid changes on protein structure and function yielded predictions that this variant is benign. Based on the available information, we are unable to determine the clinical significance of this variant.

Baylor Genetics
Classification: Uncertain significance for Endometrial carcinoma. Last evaluated: 2024-03-10. Review status: criteria provided, single submitter. Criteria: ACMG Guidelines, 2015. Collection method: clinical testing. Allele origin: unknown.

Department of Pathology and Laboratory Medicine, Sinai Health System
Classification: Uncertain significance for Endometrial carcinoma; Familial adenomatous polyposis 4. Last evaluated: 2024-01-31. Review status: criteria provided, single submitter. Criteria: ACMG Guidelines, 2015. Collection method: clinical testing. Allele origin: germline. Affected: no.

Ambry Genetics
Classification: Uncertain significance for Hereditary cancer-predisposing syndrome. Last evaluated: 2024-01-30. Review status: criteria provided, single submitter. Criteria: Ambry Variant Classification Scheme 2023. Collection method: clinical testing. Allele origin: germline.
Comment: The p.P96L variant (also known as c.287C>T), located in coding exon 2 of the MSH3 gene, results from a C to T substitution at nucleotide position 287. The proline at codon 96 is replaced by leucine, an amino acid with similar properties. This amino acid position is highly conserved in available vertebrate species. In addition, the in silico prediction for this alteration is inconclusive. Since supporting evidence is limited at this time, the clinical significance of this alteration remains unclear.

St. Jude Molecular Pathology, St. Jude Children's Research Hospital
Classification: Uncertain significance for Familial adenomatous polyposis 4. Last evaluated: 2022-06-20. Review status: criteria provided, single submitter. Criteria: St. Jude Assertion Criteria 2020. Collection method: clinical testing. Allele origin: germline.
Comment: The MSH3 c.287C>T (p.Pro96Leu) missense change has a maximum subpopulation frequency of 0.096% in gnomAD v2.1.1. The in silico tool REVEL is inconclusive about a pathogenic or benign effect of this variant on protein function, and to our knowledge functional studies have not been performed. This variant has been reported in a colon sample from an unaffected patient in a small study of colorectal adenomas and colorectal cancers (PMID: 29245953). To our knowledge, this variant has not been reported in individuals with familial adenomatous polyposis. In summary, the evidence currently available is insufficient to determine the role of this variant in disease. It has therefore been classified as of uncertain significance.

Sema4
Classification: Uncertain significance for Hereditary cancer-predisposing syndrome. Last evaluated: 2022-01-25. Review status: criteria provided, single submitter. Criteria: Sema4 Curation Guidelines. Collection method: curation. Allele origin: germline.
Comment: The MSH3 c.287C>T (p.P96L) variant has not been reported in the literature to our knowledge. It was observed in 24/24962 chromosomes of the African/African American subpopulation in the large and broad cohorts of the Genome Aggregation Database (PMID: 32461654). The variant has been reported in ClinVar (Variation ID 650967). Functional studies have not been performed, and in silico predictions of the variant's effect on protein function are inconclusive. The evidence is insufficient to meet ACMG/AMP criteria for classifying the variant as benign or pathogenic. Thus, the clinical significance of this variant is currently uncertain.

Baylor Genetics
Classification: Uncertain significance for Familial adenomatous polyposis 4. Last evaluated: 2018-04-17. Review status: criteria provided, single submitter. Criteria: ACMG Guidelines, 2015. Collection method: clinical testing. Allele origin: maternal. Affected: yes.
Comment: This variant was determined to be of uncertain significance according to ACMG Guidelines, 2015 [PMID:25741868].

Literature cited by the submitters: PubMed 37895483 (cited by Quest Diagnostics Nichols Institute San Juan Capistrano).